The following is an entry in ClinVar:

NM_198576.4(AGRN):c.3087C>A (p.Ser1029Arg)

Gene: AGRN (agrin; plus strand). Cytogenetic location: 1p36.33.
Variant type: single nucleotide variant.
Coding change: c.3087C>A on transcript NM_198576.4 (MANE Select); coding-DNA position 3087, C replaced by A.
Protein change: p.Ser1029Arg; replaces serine 1029 with arginine.
Molecular consequence: missense variant.
Genome position (GRCh38, 1-based): chr1:1,046,572, C>A. VCF-style: chr1-1046572-C-A. GRCh37 (hg19) VCF-style: chr1-981952-C-A.
Other names: c.3087C>A, p.Ser1029Arg (NM_001305275.2); c.2772C>A, p.Ser924Arg (NM_001364727.2); short protein forms S1029R, S924R.
Identifiers: ClinVar variation 1716466 (VCV001716466.5), dbSNP rs767290327, ClinGen allele CA337846962.

ClinVar aggregate classification (germline): Uncertain significance (1 of 4 stars; one submission).

Conditions:
Congenital myasthenic syndrome 8. Also called: MYASTHENIC SYNDROME, CONGENITAL, DUE TO AGRIN DEFICIENCY; Myasthenic syndrome, congenital, 8, with pre- and postsynaptic defects. Identifiers: Orphanet 590, MedGen C3808739, MONDO:0014052, OMIM 615120.

Submission:

Labcorp Genetics (formerly Invitae), Labcorp
Classification: Uncertain significance for Congenital myasthenic syndrome 8. Last evaluated: 2022-08-15. Review status: criteria provided, single submitter. Criteria: Invitae Variant Classification Sherloc (09022015). Collection method: clinical testing. Allele origin: germline.
Comment: This sequence change replaces serine, which is neutral and polar, with arginine, which is basic and polar, at codon 1029 of the AGRN protein (p.Ser1029Arg). In summary, the available evidence is currently insufficient to determine the role of this variant in disease. Therefore, it has been classified as a Variant of Uncertain Significance. Algorithms developed to predict the effect of missense changes on protein structure and function are either unavailable or do not agree on the potential impact of this missense change (SIFT: "Tolerated"; PolyPhen-2: "Possibly Damaging"; Align-GVGD: "Class C0"). This variant has not been reported in the literature in individuals affected with AGRN-related conditions. This variant is not present in population databases (gnomAD no frequency).